The following is an entry in ClinVar:

NM_005477.3(HCN4):c.302C>T (p.Ala101Val)

Gene: HCN4 (hyperpolarization activated cyclic nucleotide gated potassium channel 4; minus strand). Cytogenetic location: 15q24.1.
Variant type: single nucleotide variant.
Coding change: c.302C>T on transcript NM_005477.3 (MANE Select); coding-DNA position 302, C replaced by T.
Protein change: p.Ala101Val; replaces alanine 101 with valine.
Molecular consequence: missense variant.
Genome position (GRCh38, 1-based): chr15:73,367,969, G>A on the plus strand (C>T on the coding strand, the complement: HCN4 is on the minus strand). VCF-style: chr15-73367969-G-A. GRCh37 (hg19) VCF-style: chr15-73660310-G-A.
Other names: short protein forms A101V.
Identifiers: ClinVar variation 404125 (VCV000404125.19), dbSNP rs781730381, ClinGen allele CA7649490.

ClinVar aggregate classification (germline): Conflicting classifications of pathogenicity. Review status: criteria provided, conflicting classifications (1 of 4 stars). 6 submissions from 6 submitters: Uncertain significance (5); Likely benign (1). Last evaluated 2026-10-08.

Conditions:
Epilepsy, idiopathic generalized, susceptibility to, 18. Identifiers: MedGen C5561983, MONDO:0030434, OMIM 619521.
Brugada syndrome 8 (BRGDA8). Identifiers: Orphanet 130, MedGen C2751083, MONDO:0013148, OMIM 613123.
Sick sinus syndrome 2, autosomal dominant (SSS2). Also called: SINUS BRADYCARDIA SYNDROME, FAMILIAL, AUTOSOMAL DOMINANT; SINUS NODE DISEASE, FAMILIAL, AUTOSOMAL DOMINANT; ATRIAL FIBRILLATION WITH BRADYARRHYTHMIA; SICK SINUS SYNDROME 2; SICK SINUS SYNDROME 2 WITH OR WITHOUT CARDIAC NONCOMPACTION AND/OR ASCENDING AORTA DILATION. Identifiers: Orphanet 166282, MedGen C1834144, MONDO:0008102, OMIM 163800.
HCN4-related disorder. Also called: HCN4-related condition.
Cardiovascular phenotype. Identifiers: MedGen CN230736.

Allele frequency attached by ClinVar (database versions not stated): gnomAD exomes 0.00001 and 0.00006; gnomAD 0.00017 and 0.00018; TOPMed 0.00028; 1000 Genomes Project 30x 0.00016; ExAC 0.00018.

Submissions (6):

GeneDx
Classification: Uncertain significance. Last evaluated: 2026-10-08. Review status: criteria provided, single submitter. Criteria: GeneDx Variant Classification Process June 2021. Collection method: clinical testing. Allele origin: germline.
Comment: Has not been previously published as pathogenic or benign to our knowledge; In silico analysis suggests that this missense variant does not alter protein structure/function

Labcorp Genetics (formerly Invitae), Labcorp
Classification: Likely benign for Brugada syndrome 8. Last evaluated: 2026-01-14. Review status: criteria provided, single submitter. Criteria: Invitae Variant Classification Sherloc (09022015). Collection method: clinical testing. Allele origin: germline.

Women's Health and Genetics/Laboratory Corporation of America, LabCorp
Classification: Uncertain significance. Last evaluated: 2024-06-09. Review status: criteria provided, single submitter. Criteria: LabCorp Variant Classification Summary - May 2015. Collection method: clinical testing. Allele origin: germline.

Ambry Genetics
Classification: Uncertain significance for Cardiovascular phenotype. Last evaluated: 2024-04-09. Review status: criteria provided, single submitter. Criteria: Ambry Variant Classification Scheme 2023. Collection method: clinical testing. Allele origin: germline.
Comment: The p.A101V variant (also known as c.302C>T), located in coding exon 1 of the HCN4 gene, results from a C to T substitution at nucleotide position 302. The alanine at codon 101 is replaced by valine, an amino acid with similar properties. This amino acid position is not well conserved in available vertebrate species. In addition, the in silico prediction for this alteration is inconclusive. Since supporting evidence is limited at this time, the clinical significance of this alteration remains unclear.

PreventionGenetics, part of Exact Sciences
Classification: Uncertain significance for HCN4-related condition. Last evaluated: 2023-04-28. Review status: criteria provided, single submitter. Criteria: ACMG Guidelines, 2015. Collection method: clinical testing. Allele origin: germline.
Comment: The HCN4 c.302C>T variant is predicted to result in the amino acid substitution p.Ala101Val. To our knowledge, this variant has not been reported in the literature. This variant is reported in 0.047% of alleles in individuals of African descent in gnomAD. Although we suspect that this variant may be benign, at this time, the clinical significance of this variant is uncertain due to the absence of conclusive functional and genetic evidence.

Department of Pathology and Laboratory Medicine, Sinai Health System
Classification: Uncertain significance for Sick sinus syndrome 2, autosomal dominant; Brugada syndrome 8; Epilepsy, idiopathic generalized, susceptibility to, 18. Last evaluated: 2022-02-09. Review status: criteria provided, single submitter. Criteria: ACMG Guidelines, 2015. Collection method: research. Allele origin: germline.